The following is an entry in ClinVar:

ClinVar aggregate classification (germline): Likely benign. Review status: criteria provided, single submitter (1 of 4 stars). 2 submissions from 2 submitters: Likely benign (1). 1 of the submissions does not count toward it. Last evaluated 2024-11-01.

Conditions:
SHOX2-related disorder. Also called: SHOX2-related condition.

Allele frequency attached by ClinVar (database versions not stated): TOPMed 0.00020; gnomAD exomes 0.00024; 1000 Genomes Project 0.00040; gnomAD 0.00040; 1000 Genomes Project 30x 0.00047.

Submissions (2):

CeGaT Center for Human Genetics Tuebingen
Classification: Likely benign. Last evaluated: 2024-11-01. Review status: criteria provided, single submitter. Criteria: CeGaT Center For Human Genetics Tuebingen Variant Classification Criteria Version 2. Collection method: clinical testing. Allele origin: germline. Affected: yes. Observed: 1 variant allele.
Comment: SHOX2: BP4, BP7

PreventionGenetics, part of Exact Sciences
Classification: Likely benign for SHOX2-related condition. Last evaluated: 2019-12-13. Review status: no assertion criteria provided. Collection method: clinical testing. Allele origin: germline. Not counted in ClinVar's aggregate classification.
Comment: This variant is classified as likely benign based on ACMG/AMP sequence variant interpretation guidelines (Richards et al. 2015 PMID: 25741868, with internal and published modifications).

NM_001163678.2(SHOX2):c.174G>A (p.Ala58=)

Genes: SHOX2 (SHOX homeobox 2; minus strand), LOC129937820 (ATAC-STARR-seq lymphoblastoid silent region 14847; plus strand). Cytogenetic location: 3q25.32.
Variant type: single nucleotide variant.
Coding change: c.174G>A on transcript NM_001163678.2 (MANE Select); coding-DNA position 174, G replaced by A.
Protein change: p.Ala58=; no amino-acid change (alanine 58 retained).
Molecular consequence: synonymous variant.
Genome position (GRCh38, 1-based): chr3:158,105,851, C>T on the plus strand (G>A on the coding strand, the complement: SHOX2 is on the minus strand). VCF-style: chr3-158105851-C-T. GRCh37 (hg19) VCF-style: chr3-157823640-C-T.
Other names: c.174G>A, p.Ala58= (NM_003030.4, NM_006884.3).
Identifiers: ClinVar variation 3047990 (VCV003047990.16), dbSNP rs140028034, ClinGen allele CA2681404.